The following is an entry in ClinVar:

ClinVar aggregate classification (germline): Uncertain significance (1 of 4 stars; one submission).

Conditions:
POLD1-related polyposis and colorectal cancer syndrome (CRCS10). Also called: Colorectal cancer 10; COLORECTAL CANCER, SUSCEPTIBILITY TO, ON CHROMOSOME 19q; Colorectal cancer, susceptibility to, 10. Identifiers: Orphanet 220460, MedGen C2675481, MONDO:0012953, OMIM 612591.

Submission:

Labcorp Genetics (formerly Invitae), Labcorp
Classification: Uncertain significance for POLD1-related polyposis and colorectal cancer syndrome. Last evaluated: 2024-06-26. Review status: criteria provided, single submitter. Criteria: Invitae Variant Classification Sherloc (09022015). Collection method: clinical testing. Allele origin: germline.
Comment: This sequence change replaces histidine, which is basic and polar, with glutamine, which is neutral and polar, at codon 204 of the POLD1 protein (p.His204Gln). This variant is not present in population databases (gnomAD no frequency). This variant has not been reported in the literature in individuals affected with POLD1-related conditions. Advanced modeling of protein sequence and biophysical properties (such as structural, functional, and spatial information, amino acid conservation, physicochemical variation, residue mobility, and thermodynamic stability) performed at Invitae indicates that this missense variant is not expected to disrupt POLD1 protein function with a negative predictive value of 80%. In summary, the available evidence is currently insufficient to determine the role of this variant in disease. Therefore, it has been classified as a Variant of Uncertain Significance.

NM_002691.4(POLD1):c.612C>G (p.His204Gln)

Gene: POLD1 (DNA polymerase delta 1, catalytic subunit; plus strand). Cytogenetic location: 19q13.33.
Variant type: single nucleotide variant.
Coding change: c.612C>G on transcript NM_002691.4 (MANE Select); coding-DNA position 612, C replaced by G.
Protein change: p.His204Gln; replaces histidine 204 with glutamine.
Molecular consequence: missense variant. On other transcripts: non-coding transcript variant (1).
Genome position (GRCh38, 1-based): chr19:50,402,227, C>G. VCF-style: chr19-50402227-C-G. GRCh37 (hg19) VCF-style: chr19-50905484-C-G.
Other names: c.612C>G, p.His204Gln (NM_001256849.1, NM_001308632.1); short protein forms H204Q.
Identifiers: ClinVar variation 3657908 (VCV003657908.2).